The following is an entry in ClinVar:

NM_000141.5(FGFR2):c.109+906_109+907inv

Gene: FGFR2 (fibroblast growth factor receptor 2; minus strand). Cytogenetic location: 10q26.13.
Variant type: Inversion.
Coding change: c.109+906_109+907inv on transcript NM_000141.5 (MANE Select).
Molecular consequence: intron variant.
Genome position: GRCh38 VCF-style: chr10-121592802-CA-TG. GRCh37 (hg19) VCF-style: chr10-123352316-CA-TG.
Other names: c.109+906_109+907inv (NM_001144914.1, NM_001144918.2, NM_001441091.1 and 12 more transcripts).
Identifiers: ClinVar variation 1375251 (VCV001375251.8), ClinGen allele CA2573145596.
Genomic context (GRCh38, chr10:121,592,802, plus strand): 5'-CCAGACACCACTCGGACTGCTGCGGGTTCCTAAAGCCAGGCAGGCACCAGGTGGACTCTC[CA>TG]CAAACAGGTTCATTAAGTGGCGATGAGTGCTGGGATCTGCCGTTTTATTCTCGGATTACC-3'

ClinVar aggregate classification (germline): Uncertain significance (1 of 4 stars; one submission).

Conditions:
FGFR2-related craniosynostosis. Identifiers: MedGen CN231480.

Submission:

Labcorp Genetics (formerly Invitae), Labcorp
Classification: Uncertain significance for FGFR2-related craniosynostosis. Last evaluated: 2021-06-30. Review status: criteria provided, single submitter. Criteria: Invitae Variant Classification Sherloc (09022015). Collection method: clinical testing. Allele origin: germline.
Comment: In summary, the available evidence is currently insufficient to determine the role of this variant in disease. Therefore, it has been classified as a Variant of Uncertain Significance. Algorithms developed to predict the effect of sequence changes on RNA splicing suggest that this variant may create or strengthen a splice site, but this prediction has not been confirmed by published transcriptional studies. This variant has not been reported in the literature in individuals with FGFR2-related conditions. The frequency data for this variant in the population databases is considered unreliable, as metrics indicate insufficient coverage at this position in the ExAC database. This sequence change falls in intron 2 of the FGFR2 gene. It does not directly change the encoded amino acid sequence of the FGFR2 protein.